The following is an entry in ClinVar:

NM_021871.4(FGA):c.234T>C (p.Asn78=)

Gene: FGA (fibrinogen alpha chain; minus strand). Cytogenetic location: 4q31.3.
Variant type: single nucleotide variant.
Coding change: c.234T>C on transcript NM_021871.4 (MANE Select); coding-DNA position 234, T replaced by C.
Protein change: p.Asn78=; no amino-acid change (asparagine 78 retained).
Molecular consequence: synonymous variant.
Genome position (GRCh38, 1-based): chr4:154,588,923, A>G on the plus strand (T>C on the coding strand, the complement: FGA is on the minus strand). VCF-style: chr4-154588923-A-G. GRCh37 (hg19) VCF-style: chr4-155510075-A-G.
Other names: c.234T>C, p.Asn78= (NM_000508.5).
Identifiers: ClinVar variation 4994491 (VCV004994491.1).

ClinVar aggregate classification (germline): Likely benign (1 of 4 stars; one submission).

Conditions:
FGA-related disorder. Also called: FGA-related condition; FGA-related disorders.

gnomAD v4.1: 1 of 1,613,542 alleles (0.000062%); highest among the groups gnomAD compares: Admixed American, 0.0017%; no homozygotes.

Submission:

PreventionGenetics, part of Exact Sciences
Classification: Likely benign for FGA-related condition. Last evaluated: 2026-01-11. Review status: criteria provided, single submitter. Criteria: ACMG Guidelines, 2015. Collection method: clinical testing. Allele origin: germline.
Comment: This variant is classified as likely benign based on ACMG/AMP sequence variant interpretation guidelines (Richards et al. 2015 PMID: 25741868, with internal and published modifications).